The following is an entry in ClinVar:

NM_001134363.3(RBM20):c.2816A>G (p.Asp939Gly)

Gene: RBM20 (RNA binding motif protein 20; plus strand). Cytogenetic location: 10q25.2.
Variant type: single nucleotide variant.
Coding change: c.2816A>G on transcript NM_001134363.3 (MANE Select); coding-DNA position 2816, A replaced by G.
Protein change: p.Asp939Gly; replaces aspartic acid 939 with glycine.
Molecular consequence: missense variant.
Genome position (GRCh38, 1-based): chr10:110,821,435, A>G. VCF-style: chr10-110821435-A-G. GRCh37 (hg19) VCF-style: chr10-112581193-A-G.
Other names: short protein forms D939G.
Identifiers: ClinVar variation 3636976 (VCV003636976.2).
Genomic context (GRCh38, chr10:110,821,435, plus strand): 5'-ATTTTATCGTGGAACCAGACATCCCAGAGCTGGAAGAAATTGTGCCCATTGACCAGAAAG[A>G]CAAAATTTGCCCAGAAACATGTCTGTGTGTGACAACCACCTTAGACTTAGACCTGGCCCA-3'
Protein context (NP_001127835.2, residues 929-949): LEEIVPIDQK[Asp939Gly]KICPETCLCV

ClinVar aggregate classification (germline): Uncertain significance (1 of 4 stars; one submission).

Conditions:
Dilated cardiomyopathy 1DD (CMD1DD). Identifiers: Orphanet 154, MedGen C2750995, MONDO:0013168, OMIM 613172.

gnomAD v4.1: 2 of 1,551,782 alleles (0.00013%); highest among the groups gnomAD compares: Non-Finnish European, 0.00017%; no homozygotes.

Submission:

Labcorp Genetics (formerly Invitae), Labcorp
Classification: Uncertain significance for Dilated cardiomyopathy 1DD. Last evaluated: 2024-09-06. Review status: criteria provided, single submitter. Criteria: Invitae Variant Classification Sherloc (09022015). Collection method: clinical testing. Allele origin: germline.
Comment: This sequence change replaces aspartic acid, which is acidic and polar, with glycine, which is neutral and non-polar, at codon 939 of the RBM20 protein (p.Asp939Gly). This variant is not present in population databases (gnomAD no frequency). This variant has not been reported in the literature in individuals affected with RBM20-related conditions. Invitae Evidence Modeling of protein sequence and biophysical properties (such as structural, functional, and spatial information, amino acid conservation, physicochemical variation, residue mobility, and thermodynamic stability) indicates that this missense variant is not expected to disrupt RBM20 protein function with a negative predictive value of 95%. In summary, the available evidence is currently insufficient to determine the role of this variant in disease. Therefore, it has been classified as a Variant of Uncertain Significance.